The following is an entry in ClinVar:

ClinVar aggregate classification (germline): Uncertain significance (1 of 4 stars; one submission).

Submission:

Labcorp Genetics (formerly Invitae), Labcorp
Classification: Uncertain significance. Last evaluated: 2024-05-09. Review status: criteria provided, single submitter. Criteria: Invitae Variant Classification Sherloc (09022015). Collection method: clinical testing. Allele origin: germline.
Comment: This sequence change replaces alanine, which is neutral and non-polar, with proline, which is neutral and non-polar, at codon 216 of the HJV protein (p.Ala216Pro). This variant is not present in population databases (gnomAD no frequency). This missense change has been observed in individual(s) with hemochromatosis (Invitae). In at least one individual the data is consistent with being in trans (on the opposite chromosome) from a pathogenic variant. An algorithm developed to predict the effect of missense changes on protein structure and function (PolyPhen-2) suggests that this variant is likely to be disruptive. In summary, the available evidence is currently insufficient to determine the role of this variant in disease. Therefore, it has been classified as a Variant of Uncertain Significance.

NM_213653.4(HJV):c.646G>C (p.Ala216Pro)

Gene: HJV (hemojuvelin BMP co-receptor; minus strand). Cytogenetic location: 1q21.1.
Variant type: single nucleotide variant.
Coding change: c.646G>C on transcript NM_213653.4 (MANE Select); coding-DNA position 646, G replaced by C.
Protein change: p.Ala216Pro; replaces alanine 216 with proline.
Molecular consequence: missense variant. On other transcripts: intron variant (3).
Genome position (GRCh38, 1-based): chr1:146,019,186, C>G on the plus strand (G>C on the coding strand, the complement: HJV is on the minus strand). VCF-style: chr1-146019186-C-G. GRCh37 (hg19) VCF-style: chr1-145415827-G-C.
Other names: c.646G>C, p.Ala216Pro (NM_001379352.1); c.307G>C, p.Ala103Pro (NM_145277.5); c.-21-486G>C (NM_213652.4, NM_202004.4, NM_001316767.2); short protein forms A103P, A216P.
Identifiers: ClinVar variation 3652763 (VCV003652763.2).
Genomic context (GRCh38, chr1:146,019,186, plus strand): 5'-CGTGGAAGAATCTCATGAGGTGGATCGGAAGGAAGATTGAGTGCCTGACCTTCCGGGTGG[C>G]GGTAGCGTTGGCCCCCAACGCCATGGGGGAGCTGGTGGCTTGGACAAAGAGGAAGTCATT-3'
Protein context (NP_998818.1, residues 206-226): SPMALGANAT[Ala216Pro]TRKLTIIFKN